The following is an entry in ClinVar:

ClinVar aggregate classification (germline): Uncertain significance (1 of 4 stars; one submission).

Submission:

GeneDx
Classification: Uncertain significance. Last evaluated: 2026-08-10. Review status: criteria provided, single submitter. Criteria: GeneDx Variant Classification Process June 2021. Collection method: clinical testing. Allele origin: germline.
Comment: Not observed at significant frequency in large population cohorts (gnomAD); In silico analysis suggests that this missense variant does not alter protein structure/function; Has not been previously published as pathogenic or benign to our knowledge

NM_014927.5(CNKSR2):c.2582C>A (p.Pro861Gln)

Gene: CNKSR2 (connector enhancer of kinase suppressor of Ras 2; plus strand). Cytogenetic location: Xp22.12.
Variant type: single nucleotide variant.
Coding change: c.2582C>A on transcript NM_014927.5 (MANE Select); coding-DNA position 2582, C replaced by A.
Protein change: p.Pro861Gln; replaces proline 861 with glutamine.
Molecular consequence: missense variant.
Genome position (GRCh38, 1-based): chrX:21,609,507, C>A. VCF-style: chrX-21609507-C-A. GRCh37 (hg19) VCF-style: chrX-21627625-C-A.
Other names: c.2492C>A, p.Pro831Gln (NM_001168647.3, NM_001330773.2); c.2582C>A, p.Pro861Gln (NM_001168648.3); c.2435C>A, p.Pro812Gln (NM_001168649.3, NM_001330770.2); c.2345C>A, p.Pro782Gln (NM_001330771.2, NM_001330772.2); short protein forms P782Q, P812Q, P831Q, P861Q.
Identifiers: ClinVar variation 3897336 (VCV003897336.2).